The following is an entry in ClinVar:

ClinVar aggregate classification (germline): Uncertain significance (1 of 4 stars; one submission).

Submission:

Ambry Genetics
Classification: Uncertain significance. Last evaluated: 2021-12-10. Review status: criteria provided, single submitter. Criteria: Ambry Variant Classification Scheme 2023. Collection method: clinical testing. Allele origin: germline.
Comment: The p.L91I variant (also known as c.271C>A), located in coding exon 3 of the BUB3 gene, results from a C to A substitution at nucleotide position 271. The leucine at codon 91 is replaced by isoleucine, an amino acid with highly similar properties. This amino acid position is conserved. In addition, this alteration is predicted to be tolerated by in silico analysis. Since supporting evidence is limited at this time, the clinical significance of this alteration remains unclear.

NM_004725.4(BUB3):c.271C>A (p.Leu91Ile)

Gene: BUB3 (BUB3 mitotic checkpoint protein; plus strand). Cytogenetic location: 10q26.13.
Variant type: single nucleotide variant.
Coding change: c.271C>A on transcript NM_004725.4 (MANE Select); coding-DNA position 271, C replaced by A.
Protein change: p.Leu91Ile; replaces leucine 91 with isoleucine.
Molecular consequence: missense variant.
Genome position (GRCh38, 1-based): chr10:123,157,734, C>A. VCF-style: chr10-123157734-C-A. GRCh37 (hg19) VCF-style: chr10-124917250-C-A.
Other names: c.271C>A, p.Leu91Ile (NM_001007793.3); short protein forms L91I.
Identifiers: ClinVar variation 1795157 (VCV001795157.2), dbSNP rs2493759745, ClinGen allele CA378625340.
Genomic context (GRCh38, chr10:123,157,734, plus strand): 5'-AGTAAAGGTAGTAAGCTAGATGTTGGGGTTTTTTCCCCTTTTTTTTTCTCTATAGAAAAT[C>A]TTGTTGGGACCCATGATGCCCCTATCAGATGTGTTGAATACTGTCCAGAAGTGAATGTGA-3'
Protein context (NP_004716.1, residues 81-101): MHDLNTDQEN[Leu91Ile]VGTHDAPIRC